The following is an entry in ClinVar:

ClinVar aggregate classification (germline): Uncertain significance (1 of 4 stars; one submission).

Conditions:
Cowden syndrome (CS). Also called: Cowden's disease; Cowden's syndrome; Cowden disease. Identifiers: Orphanet 201, MedGen C0018553, MONDO:0016063. Disease mechanism: gain of function.

Allele frequency attached by ClinVar (database versions not stated): TOPMed below 0.00001; gnomAD 0.00001; gnomAD exomes 0.00001 and below 0.00001.
gnomAD v4.1: 9 of 1,613,846 alleles (0.00056%); highest among the groups gnomAD compares: East Asian, 0.0022%; no homozygotes.

Submission:

Labcorp Genetics (formerly Invitae), Labcorp
Classification: Uncertain significance for Cowden syndrome. Last evaluated: 2021-09-26. Review status: criteria provided, single submitter. Criteria: Invitae Variant Classification Sherloc (09022015). Collection method: clinical testing. Allele origin: germline.
Comment: This sequence change replaces arginine with glutamine at codon 502 of the PIK3CA protein (p.Arg502Gln). The arginine residue is highly conserved and there is a small physicochemical difference between arginine and glutamine. In summary, the available evidence is currently insufficient to determine the role of this variant in disease. Therefore, it has been classified as a Variant of Uncertain Significance. Algorithms developed to predict the effect of missense changes on protein structure and function are either unavailable or do not agree on the potential impact of this missense change (SIFT: "Deleterious"; PolyPhen-2: "Benign"; Align-GVGD: "Class C35"). This variant has not been reported in the literature in individuals affected with PIK3CA-related conditions. This variant is not present in population databases (ExAC no frequency).

NM_006218.4(PIK3CA):c.1505G>A (p.Arg502Gln)

Gene: PIK3CA (phosphatidylinositol-4,5-bisphosphate 3-kinase catalytic subunit alpha; plus strand). Cytogenetic location: 3q26.32.
Variant type: single nucleotide variant.
Coding change: c.1505G>A on transcript NM_006218.4 (MANE Select); coding-DNA position 1505, G replaced by A.
Protein change: p.Arg502Gln; replaces arginine 502 with glutamine.
Molecular consequence: missense variant.
Genome position (GRCh38, 1-based): chr3:179,210,531, G>A. VCF-style: chr3-179210531-G-A. GRCh37 (hg19) VCF-style: chr3-178928319-G-A.
Other names: short protein forms R502Q.
Identifiers: ClinVar variation 1428224 (VCV001428224.6), dbSNP rs1220116506, ClinGen allele CA355262734.